The following is an entry in ClinVar:

NM_000092.5(COL4A4):c.290G>A (p.Arg97His)

Gene: COL4A4 (collagen type IV alpha 4 chain; minus strand). Cytogenetic location: 2q36.3.
Variant type: single nucleotide variant.
Coding change: c.290G>A on transcript NM_000092.5 (MANE Select); coding-DNA position 290, G replaced by A.
Protein change: p.Arg97His; replaces arginine 97 with histidine.
Molecular consequence: missense variant.
Genome position (GRCh38, 1-based): chr2:227,121,051, C>T on the plus strand (G>A on the coding strand, the complement: COL4A4 is on the minus strand). VCF-style: chr2-227121051-C-T. GRCh37 (hg19) VCF-style: chr2-227985767-C-T.
Other names: short protein forms R97H.
Identifiers: ClinVar variation 3268730 (VCV003268730.2).

ClinVar aggregate classification (germline): Uncertain significance. Review status: criteria provided, multiple submitters, no conflicts (2 of 4 stars). 2 submissions from 2 submitters: Uncertain significance (2). Last evaluated 2025-05-20.

Conditions:
Inborn genetic diseases. Identifiers: MedGen C0950123, MeSH D030342.

gnomAD v4.1: 23 of 1,614,138 alleles (0.0014%); highest among the groups gnomAD compares: Middle Eastern, 0.016%; no homozygotes.

Submissions (2):

GeneDx
Classification: Uncertain significance. Last evaluated: 2025-05-20. Review status: criteria provided, single submitter. Criteria: GeneDx Variant Classification Process June 2021. Collection method: clinical testing. Allele origin: germline. Affected: yes.
Comment: In silico analysis suggests that this missense variant does not alter protein structure/function; Occurs in the triple helical domain at the Y position in the canonical Gly-X-Y repeat; although this variant may have an effect on normal protein folding and function, missense substitution at the Y position is not a common mechanism of disease; Has not been previously published as pathogenic or benign to our knowledge

Ambry Genetics
Classification: Uncertain significance for Inborn genetic diseases. Last evaluated: 2024-05-07. Review status: criteria provided, single submitter. Criteria: Ambry Variant Classification Scheme 2023. Collection method: clinical testing. Allele origin: germline.